The following is an entry in ClinVar:

ClinVar aggregate classification (germline): Uncertain significance (1 of 4 stars; one submission).

Allele frequency attached by ClinVar (database versions not stated): gnomAD exomes below 0.00001.
gnomAD v4.1: 2 of 1,613,076 alleles (0.00012%); highest among the groups gnomAD compares: African/African-American, 0.0027%; no homozygotes.

Submission:

Labcorp Genetics (formerly Invitae), Labcorp
Classification: Uncertain significance. Last evaluated: 2022-07-21. Review status: criteria provided, single submitter. Criteria: Invitae Variant Classification Sherloc (09022015). Collection method: clinical testing. Allele origin: germline.
Comment: This sequence change replaces histidine, which is basic and polar, with proline, which is neutral and non-polar, at codon 173 of the PRDM13 protein (p.His173Pro). This variant is not present in population databases (gnomAD no frequency). In summary, the available evidence is currently insufficient to determine the role of this variant in disease. Therefore, it has been classified as a Variant of Uncertain Significance. Algorithms developed to predict the effect of missense changes on protein structure and function output the following: SIFT: "Deleterious"; PolyPhen-2: "Benign"; Align-GVGD: "Class C25". The proline amino acid residue is found in multiple mammalian species, which suggests that this missense change does not adversely affect protein function. ClinVar contains an entry for this variant (Variation ID: 999413). This variant has not been reported in the literature in individuals affected with PRDM13-related conditions.

NM_021620.4(PRDM13):c.518A>C (p.His173Pro)

Gene: PRDM13 (PR/SET domain 13; plus strand). Cytogenetic location: 6q16.2.
Variant type: single nucleotide variant.
Coding change: c.518A>C on transcript NM_021620.4 (MANE Select); coding-DNA position 518, A replaced by C.
Protein change: p.His173Pro; replaces histidine 173 with proline.
Molecular consequence: missense variant.
Genome position (GRCh38, 1-based): chr6:99,613,153, A>C. VCF-style: chr6-99613153-A-C. GRCh37 (hg19) VCF-style: chr6-100061029-A-C.
Other names: short protein forms H173P.
Identifiers: ClinVar variation 999413 (VCV000999413.10), dbSNP rs1770056496, ClinGen allele CA365115469.